The following is an entry in ClinVar:

ClinVar aggregate classification (germline): Uncertain significance (1 of 4 stars; one submission).

Conditions:
PLXNA3-related disorder. Also called: PLXNA3-related condition.

gnomAD v4.1: 10 of 1,192,205 alleles (0.00084%); highest among the groups gnomAD compares: South Asian, 0.0035%; no homozygotes.

Submission:

PreventionGenetics, part of Exact Sciences
Classification: Uncertain significance for PLXNA3-related condition. Last evaluated: 2025-07-25. Review status: criteria provided, single submitter. Criteria: ACMG Guidelines, 2015. Collection method: clinical testing. Allele origin: germline.
Comment: The PLXNA3 c.3386C>T variant is predicted to result in the amino acid substitution p.Pro1129Leu. To our knowledge, this variant has not been reported in the literature. This variant is reported in 0.0053% of alleles in individuals of South Asian descent in gnomAD. At this time, the clinical significance of this variant is uncertain due to the absence of conclusive functional and genetic evidence.

NM_017514.5(PLXNA3):c.3386C>T (p.Pro1129Leu)

Gene: PLXNA3 (plexin A3; plus strand). Cytogenetic location: Xq28.
Variant type: single nucleotide variant.
Coding change: c.3386C>T on transcript NM_017514.5 (MANE Select); coding-DNA position 3386, C replaced by T.
Protein change: p.Pro1129Leu; replaces proline 1129 with leucine.
Molecular consequence: missense variant.
Genome position (GRCh38, 1-based): chrX:154,467,416, C>T. VCF-style: chrX-154467416-C-T. GRCh37 (hg19) VCF-style: chrX-153695759-C-T.
Other names: short protein forms P1129L.
Identifiers: ClinVar variation 4979343 (VCV004979343.1).